The following is an entry in ClinVar:

NM_001042492.3(NF1):c.5619C>G (p.Ala1873=)

Gene: NF1 (neurofibromin 1; plus strand). Cytogenetic location: 17q11.2.
Variant type: single nucleotide variant.
Coding change: c.5619C>G on transcript NM_001042492.3 (MANE Select); coding-DNA position 5619, C replaced by G.
Protein change: p.Ala1873=; no amino-acid change (alanine 1873 retained).
Molecular consequence: synonymous variant.
Genome position (GRCh38, 1-based): chr17:31,330,305, C>G. VCF-style: chr17-31330305-C-G. GRCh37 (hg19) VCF-style: chr17-29657323-C-G.
Other names: c.5556C>G, p.Ala1852= (NM_000267.4).
Identifiers: ClinVar variation 186934 (VCV000186934.19), dbSNP rs786203335, ClinGen allele CA196274.

ClinVar aggregate classification (germline): Conflicting classifications of pathogenicity. Review status: criteria provided, conflicting classifications (1 of 4 stars). 5 submissions from 5 submitters: Uncertain significance (1); Benign (1); Likely benign (3). Last evaluated 2026-05-20.

Conditions:
Hereditary cancer-predisposing syndrome. Also called: Tumor predisposition; Hereditary neoplastic syndrome; Neoplastic Syndromes, Hereditary; Hereditary Cancer Syndrome. Identifiers: Orphanet 140162, MedGen C0027672, MeSH D009386, MONDO:0015356.
Neurofibromatosis, type 1 (NF1). Also called: Neurofibromatosis, type I; NEUROFIBROMATOSIS, TYPE I, SOMATIC; VON RECKLINGHAUSEN DISEASE; Peripheral type neurofibromatosis. Identifiers: Orphanet 636, MedGen C0027831, MONDO:0018975, OMIM 162200. Disease mechanism: loss of function.

Allele frequency attached by ClinVar (database versions not stated): TOPMed below 0.00001; gnomAD exomes below 0.00001.
gnomAD v4.1: 1 of 1,613,976 alleles (0.000062%); highest among the groups gnomAD compares: Non-Finnish European, 0.000085%; no homozygotes.

Submissions (5):

Myriad Genetics, Inc.
Classification: Benign for Neurofibromatosis, type 1. Last evaluated: 2026-05-20. Review status: criteria provided, single submitter. Criteria: Myriad Autosomal Dominant, Autosomal Recessive and X-Linked Classification Criteria (2023). Collection method: clinical testing. Allele origin: unknown.
Comment: This variant is considered benign. This variant is a silent/synonymous amino acid change and it is not expected to impact splicing.

Labcorp Genetics (formerly Invitae), Labcorp
Classification: Likely benign for Neurofibromatosis, type 1. Last evaluated: 2025-03-13. Review status: criteria provided, single submitter. Criteria: Invitae Variant Classification Sherloc (09022015). Collection method: clinical testing. Allele origin: germline.

Sema4
Classification: Likely benign for Hereditary cancer-predisposing syndrome. Last evaluated: 2021-05-28. Review status: criteria provided, single submitter. Criteria: Sema4 Curation Guidelines. Collection method: curation. Allele origin: germline.

Genome Diagnostics Laboratory, The Hospital for Sick Children
Classification: Uncertain significance for Neurofibromatosis, type 1. Last evaluated: 2020-10-26. Review status: criteria provided, single submitter. Criteria: ACMG Guidelines, 2015. Collection method: clinical testing. Allele origin: germline. Affected: yes.

Ambry Genetics
Classification: Likely benign for Hereditary cancer-predisposing syndrome. Last evaluated: 2014-10-24. Review status: criteria provided, single submitter. Criteria: Ambry Autosomal Dominant and X-Linked criteria (10/2015). Collection method: clinical testing. Allele origin: germline. Observed: 1 variant allele.